The following is an entry in ClinVar:

ClinVar aggregate classification (germline): Uncertain significance (1 of 4 stars; one submission).

Conditions:
Gorlin syndrome. Also called: Basal cell nevus syndrome; Nevoid Basal Cell Carcinoma Syndrome. Identifiers: Orphanet 377, MedGen C0004779, MONDO:0007187.

Submission:

Labcorp Genetics (formerly Invitae), Labcorp
Classification: Uncertain significance for Gorlin syndrome. Last evaluated: 2024-12-18. Review status: criteria provided, single submitter. Criteria: Invitae Variant Classification Sherloc (09022015). Collection method: clinical testing. Allele origin: germline.
Comment: This sequence change replaces alanine, which is neutral and non-polar, with glycine, which is neutral and non-polar, at codon 18 of the PTCH2 protein (p.Ala18Gly). This variant is not present in population databases (gnomAD no frequency). This variant has not been reported in the literature in individuals affected with PTCH2-related conditions. An algorithm developed to predict the effect of missense changes on protein structure and function (PolyPhen-2) suggests that this variant is likely to be tolerated. In summary, the available evidence is currently insufficient to determine the role of this variant in disease. Therefore, it has been classified as a Variant of Uncertain Significance.

NM_003738.5(PTCH2):c.53C>G (p.Ala18Gly)

Gene: PTCH2 (patched 2; minus strand). Cytogenetic location: 1p34.1.
Variant type: single nucleotide variant.
Coding change: c.53C>G on transcript NM_003738.5 (MANE Select); coding-DNA position 53, C replaced by G.
Protein change: p.Ala18Gly; replaces alanine 18 with glycine.
Molecular consequence: missense variant.
Genome position (GRCh38, 1-based): chr1:44,842,880, G>C on the plus strand (C>G on the coding strand, the complement: PTCH2 is on the minus strand). VCF-style: chr1-44842880-G-C. GRCh37 (hg19) VCF-style: chr1-45308552-G-C.
Other names: c.53C>G, p.Ala18Gly (NM_001166292.2); short protein forms A18G.
Identifiers: ClinVar variation 3667802 (VCV003667802.2).
Genomic context (GRCh38, chr1:44,842,880, plus strand): 5'-GGCTCCGCTCTCTTCCTTCTTCCAGCTCCCCCTCTACTCACCTGGGGTGCTGCGGTTCGA[G>C]CTGGGGGTGTGTAACTCGGGGGCAGCTCTCTGAGGGGCGGCGATCGAGTCATGCTGGCGG-3'
Protein context (NP_003729.3, residues 8-28): RELPPSYTPP[Ala18Gly]RTAAPQILAG